The following is an entry in ClinVar:

ClinVar aggregate classification (germline): Uncertain significance (1 of 4 stars; one submission).

Allele frequency attached by ClinVar (database versions not stated): gnomAD exomes below 0.00001.
gnomAD v4.1: 2 of 1,612,404 alleles (0.00012%); highest among the groups gnomAD compares: Non-Finnish European, 0.00017%; no homozygotes.

Submission:

GeneDx
Classification: Uncertain significance. Last evaluated: 2019-04-11. Review status: criteria provided, single submitter. Criteria: GeneDx Variant Classification Process June 2021. Collection method: clinical testing. Allele origin: germline. Affected: yes.
Comment: Not observed in large population cohorts (Lek et al., 2016); Has not been previously published as pathogenic or benign to our knowledge

NM_015346.4(ZFYVE26):c.5822T>C (p.Leu1941Pro)

Gene: ZFYVE26 (zinc finger FYVE-type containing 26; minus strand). Cytogenetic location: 14q24.1.
Variant type: single nucleotide variant.
Coding change: c.5822T>C on transcript NM_015346.4 (MANE Select); coding-DNA position 5822, T replaced by C.
Protein change: p.Leu1941Pro; replaces leucine 1941 with proline.
Molecular consequence: missense variant.
Genome position (GRCh38, 1-based): chr14:67,766,416, A>G on the plus strand (T>C on the coding strand, the complement: ZFYVE26 is on the minus strand). VCF-style: chr14-67766416-A-G. GRCh37 (hg19) VCF-style: chr14-68233133-A-G.
Other names: short protein forms L1941P.
Identifiers: ClinVar variation 424004 (VCV000424004.3), dbSNP rs1064796739, ClinGen allele CA16619884.